The following is an entry in ClinVar:

NM_000540.3(RYR1):c.5440A>G (p.Met1814Val)

Gene: RYR1 (ryanodine receptor 1; plus strand). Cytogenetic location: 19q13.2.
Variant type: single nucleotide variant.
Coding change: c.5440A>G on transcript NM_000540.3 (MANE Select); coding-DNA position 5440, A replaced by G.
Protein change: p.Met1814Val; replaces methionine 1814 with valine.
Molecular consequence: missense variant.
Genome position (GRCh38, 1-based): chr19:38,486,095, A>G. VCF-style: chr19-38486095-A-G. GRCh37 (hg19) VCF-style: chr19-38976735-A-G.
Other names: NM_001042723.2:c.5440A>G; c.5440A>G, p.Met1814Val (NM_001042723.2); short protein forms M1814V.
Identifiers: ClinVar variation 1213826 (VCV001213826.3), dbSNP rs2145545032, ClinGen allele CA405655316.
Genomic context (GRCh38, chr19:38,486,095, plus strand): 5'-GCCCCGGCCCGCCTCAGCCCTGCCATCCCGCTGGAGGCCCTGCGGGACAAGGCACTGAGG[A>G]TGCTGGGGGAGGCGGTGCGCGACGGTGGGCAGCACGCTCGCGACCCCGTCGGGGGCTCCG-3'
Protein context (NP_000531.2, residues 1804-1824): LEALRDKALR[Met1814Val]LGEAVRDGGQ

ClinVar aggregate classification (germline): Uncertain significance (3 of 4 stars; one submission).

Conditions:
Malignant hyperthermia of anesthesia. Also called: Anesthesic-triggered malignant hyperthermia. Identifiers: Orphanet 423, MedGen C0024591, MONDO:0018493, HP:0034733.

Submission:

ClinGen Malignant Hyperthermia Susceptibility Variant Curation Expert Panel, ClinGen
Classification: Uncertain significance for Malignant hyperthermia of anesthesia. Last evaluated: 2025-08-01. Review status: reviewed by expert panel. Criteria: ClinGen MHS ACMG Specifications V2. Collection method: curation. Allele origin: germline. Inheritance: Autosomal dominant inheritance.
Comment: This pathogenicity assessment is relevant only for malignant hyperthermia susceptibility (MHS) inherited in an autosomal dominant pattern. Variants in RYR1 can also cause other myopathies inherited in an autosomal dominant pattern or in an autosomal recessive pattern. Some of these disorders may predispose individuals to malignant hyperthermia. RYR1 variants may also contribute to a malignant hyperthermia reaction in combination with other genetic and non-genetic factors and the clinician needs to consider such factors in making management decisions. This sequence variant predicts a substitution of methionine with valine at codon 1814 of the RYR1 protein, p.(Met1814Val). This variant was not present in a large population database (gnomAD) at the time this variant was interpreted. This variant has been reported in an individual with a personal or family history of an MH episode and a positive in vitro contracture test (IVCT) or caffeine halothane contracture test (CHCT) result (if the proband was unavailable for testing, a positive diagnostic test result in a mutation-positive relative was counted), PS4_Supporting (PMID:30236257). No functional studies were identified for this variant. This variant does not reside in a hotspot for pathogenic variants that contribute to MHS. A REVEL score <0.5 (0.486) supports a benign status for this variant, BP4. This variant has been classified as a Variant of Uncertain Significance. Criteria implemented: PS4_Supporting, BP4.